The following is an entry in ClinVar:

NC_000022.10:g.(?_29130452)_(29160933_?)del

Genes: HSCB (HscB mitochondrial iron-sulfur cluster cochaperone; plus strand), CHEK2 (checkpoint kinase 2; minus strand). Cytogenetic location: 22q12.1.
Variant type: Deletion.
Identifiers: ClinVar variation 2425696 (VCV002425696.4).

ClinVar aggregate classification (germline): Pathogenic (1 of 4 stars; one submission).

Conditions:
Familial cancer of breast. Also called: Hereditary breast cancer; hereditary breast carcinoma; BREAST CANCER, FAMILIAL. Identifiers: Orphanet 227535, MedGen C0346153, MONDO:0016419, OMIM 114480. Disease mechanism: loss of function.

Submission:

Labcorp Genetics (formerly Invitae), Labcorp
Classification: Pathogenic for Familial cancer of breast. Last evaluated: 2022-04-08. Review status: criteria provided, single submitter. Criteria: Invitae Variant Classification Sherloc (09022015). Collection method: clinical testing. Allele origin: germline.
Comment: For these reasons, this variant has been classified as Pathogenic. This variant has not been reported in the literature in individuals affected with CHEK2-related conditions. This variant results in the deletion of exon 1 and part of exon 2 (c.-23183_258delinsT) of the CHEK2 gene. It is expected to result in an absent or disrupted protein product. Loss-of-function variants in CHEK2 are known to be pathogenic (PMID: 21876083, 24713400).

Literature cited by the submitters: PubMed 21876083; PubMed 24713400.